The following is an entry in ClinVar:

ClinVar aggregate classification (germline): Uncertain significance (1 of 4 stars; one submission).

Conditions:
Aniridia 1 (AN1). Identifiers: Orphanet 250923, MedGen C0344542, MONDO:0024507, OMIM 106210.
Irido-corneo-trabecular dysgenesis (ASGD5). Also called: ANTERIOR SEGMENT DYSGENESIS 5. Identifiers: Orphanet 708, MedGen C0344559, MONDO:0011414, OMIM 604229, HP:0000659.

Submission:

Labcorp Genetics (formerly Invitae), Labcorp
Classification: Uncertain significance for Aniridia 1; Irido-corneo-trabecular dysgenesis. Last evaluated: 2025-12-23. Review status: criteria provided, single submitter. Criteria: Invitae Variant Classification Sherloc (09022015). Collection method: clinical testing. Allele origin: germline.
Comment: This sequence change replaces threonine, which is neutral and polar, with asparagine, which is neutral and polar, at codon 63 of the PAX6 protein (p.Thr63Asn). This variant is not present in population databases (gnomAD no frequency). This variant has not been reported in the literature in individuals affected with PAX6-related conditions. Invitae Evidence Modeling of protein sequence and biophysical properties (such as structural, functional, and spatial information, amino acid conservation, physicochemical variation, residue mobility, and thermodynamic stability) indicates that this missense variant is expected to disrupt PAX6 protein function with a positive predictive value of 80%. In summary, the available evidence is currently insufficient to determine the role of this variant in disease. Therefore, it has been classified as a Variant of Uncertain Significance.

NM_001368894.2(PAX6):c.230C>A (p.Thr77Asn)

Gene: PAX6 (paired box 6; minus strand). Cytogenetic location: 11p13.
Variant type: single nucleotide variant.
Coding change: c.230C>A on transcript NM_001368894.2 (MANE Select); coding-DNA position 230, C replaced by A.
Protein change: p.Thr77Asn; replaces threonine 77 with asparagine.
Molecular consequence: missense variant. On other transcripts: 5 prime UTR variant (14), non-coding transcript variant (2), intron variant (8).
Genome position (GRCh38, 1-based): chr11:31,801,730, G>T on the plus strand (C>A on the coding strand, the complement: PAX6 is on the minus strand). VCF-style: chr11-31801730-G-T. GRCh37 (hg19) VCF-style: chr11-31823278-G-T.
Other names: c.188C>A, p.Thr63Asn (NM_000280.6, NM_001127612.3, NM_001258464.2 and 10 more transcripts); c.230C>A, p.Thr77Asn (NM_001258462.3, NM_001258463.2, NM_001310158.2 and 6 more transcripts); c.-552C>A (NM_001310160.2, NM_001368902.2, NM_001368905.2); c.-221C>A (NM_001310161.3, NM_001368899.2, NM_001368900.2 and 8 more transcripts); c.431C>A, p.Thr144Asn (NM_001368910.2); c.233C>A, p.Thr78Asn (NM_001368911.2); c.305C>A, p.Thr102Asn (NM_001368918.2, NM_001368919.2); c.263C>A, p.Thr88Asn (NM_001368920.2); and 2 more; short protein forms T102N, T63N, T78N, T88N, T144N, T77N.
Identifiers: ClinVar variation 4782800 (VCV004782800.1).